The following is an entry in ClinVar:

ClinVar aggregate classification (germline): Pathogenic (1 of 4 stars; one submission).

Conditions:
Bethlem myopathy 1A. Also called: MYOPATHY, BENIGN CONGENITAL, WITH CONTRACTURES; Bethlem Muscular Dystrophy; Bethlem myopathy 1. Identifiers: Orphanet 610, MedGen CN029274, MONDO:0024530, OMIM 158810.

Submission:

Labcorp Genetics (formerly Invitae), Labcorp
Classification: Pathogenic for Bethlem myopathy 1A. Last evaluated: 2021-10-18. Review status: criteria provided, single submitter. Criteria: Invitae Variant Classification Sherloc (09022015). Collection method: clinical testing. Allele origin: germline.
Comment: For these reasons, this variant has been classified as Pathogenic. This variant disrupts the p.Gly295 amino acid residue in COL6A2. Other variant(s) that disrupt this residue have been observed in individuals with COL6A2-related conditions (Invitae), which suggests that this may be a clinically significant amino acid residue. This variant disrupts the triple helix domain of COL6A2. Glycine residues within the Gly-Xaa-Yaa repeats of the triple helix domain are required for the structure and stability of fibrillar collagens (PMID: 7695699, 8218237, 19344236). In COL6A2, missense variants at these glycine residues are significantly enriched in individuals with autosomal dominant disease (PMID: 15689448, 24038877) compared to the general population (ExAC). Advanced modeling of protein sequence and biophysical properties (such as structural, functional, and spatial information, amino acid conservation, physicochemical variation, residue mobility, and thermodynamic stability) performed at Invitae indicates that this missense variant is expected to disrupt COL6A2 protein function. This missense change has been observed in individual(s) with autosomal dominant COL6A2-related conditions (Invitae). This variant is not present in population databases (gnomAD no frequency). This sequence change replaces glycine, a(n) neutral and non-polar amino acid, with valine, a(n) neutral and non-polar amino acid, at codon 295 of the COL6A2 protein (p.Gly295Val).

Literature cited by the submitters: PubMed 7695699; PubMed 8218237; PubMed 19344236; PubMed 15689448; PubMed 24038877.

NM_001849.4(COL6A2):c.884G>T (p.Gly295Val)

Gene: COL6A2 (collagen type VI alpha 2 chain; plus strand). Cytogenetic location: 21q22.3.
Variant type: single nucleotide variant.
Coding change: c.884G>T on transcript NM_001849.4 (MANE Select); coding-DNA position 884, G replaced by T.
Protein change: p.Gly295Val; replaces glycine 295 with valine.
Molecular consequence: missense variant.
Genome position (GRCh38, 1-based): chr21:46,116,037, G>T. VCF-style: chr21-46116037-G-T. GRCh37 (hg19) VCF-style: chr21-47535951-G-T.
Other names: c.884G>T, p.Gly295Val (NM_058174.3, NM_058175.3); short protein forms G295V.
Identifiers: ClinVar variation 1455757 (VCV001455757.6), dbSNP rs2123626138, ClinGen allele CA410525291.